The following is an entry in ClinVar:

NM_015559.3(SETBP1):c.1261del (p.Arg421fs)

Gene: SETBP1 (SET binding protein 1; plus strand). Cytogenetic location: 18q12.3.
Variant type: Deletion.
Coding change: c.1261del on transcript NM_015559.3 (MANE Select); coding-DNA position 1261, one base deleted (A; older notation c.1261delA).
Protein change: p.Arg421fs; shifts the reading frame from arginine 421.
Molecular consequence: frameshift variant.
Genome position (GRCh38, 1-based): chr18:44,950,601, A deleted; the last of 7 consecutive A bases (chr18:44,950,595-44,950,601); deleting any one gives the same sequence. VCF-style (leftmost placement, unchanged base first): chr18-44950594-GA-G. GRCh37 (hg19) VCF-style: chr18-42530559-GA-G.
Other names: NM_001379142.1:c.1261del; c.1261del, p.Arg421fs (NM_001379141.1, NM_001379142.1, NM_001410862.1); short protein forms R421fs.
Identifiers: ClinVar variation 4819455 (VCV004819455.1).

ClinVar aggregate classification (germline): Likely pathogenic (1 of 4 stars; one submission).

Conditions:
Intellectual developmental disorder, autosomal dominant 29. Also called: Intellectual disability, autosomal dominant 29; SETBP1 Haploinsufficiency Disorder. Identifiers: Orphanet 436151, MedGen C4015141, MONDO:0014482, OMIM 616078.

Submission:

Broad Center for Mendelian Genomics, Broad Institute of MIT and Harvard
Classification: Likely pathogenic for Intellectual developmental disorder, autosomal dominant 29. Last evaluated: 2026-03-02. Review status: criteria provided, single submitter. Criteria: ACMG Guidelines, 2015. Collection method: research. Allele origin: germline. Inheritance: Autosomal dominant inheritance.
Comment: The p.Arg421AspfsTer23 variant in SETBP1 has not been previously reported in the literature in individuals with autosomal dominant intellectual developmental disorder-29 and was absent from large population studies. This variant is predicted to cause a frameshift, which alters the protein’s amino acid sequence beginning at position 421 and leads to a premature termination codon 23 amino acids downstream. This alteration is then predicted to lead to a truncated or absent protein. Heterozygous loss of function of the SETBP1 gene is an established disease mechanism in autosomal dominant intellectual developmental disorder-29. In summary, although additional studies are required to fully establish its clinical significance, this variant is likely pathogenic for autosomal dominant intellectual developmental disorder-29. ACMG/AMP Criteria applied: PVS1, PM2_supporting (Richards 2015).